The following is an entry in ClinVar:

ClinVar aggregate classification (germline): Uncertain significance (1 of 4 stars; one submission).

gnomAD v4.1: 1 of 1,613,960 alleles (0.000062%); highest among the groups gnomAD compares: Admixed American, 0.0017%; no homozygotes.

Submission:

Ambry Genetics
Classification: Uncertain significance. Last evaluated: 2022-01-02. Review status: criteria provided, single submitter. Criteria: Ambry Variant Classification Scheme 2023. Collection method: clinical testing. Allele origin: germline.
Comment: The p.E247K variant (also known as c.739G>A), located in coding exon 2 of the TERF2IP gene, results from a G to A substitution at nucleotide position 739. The glutamic acid at codon 247 is replaced by lysine, an amino acid with similar properties. This amino acid position is conserved. In addition, this alteration is predicted to be tolerated by in silico analysis. Since supporting evidence is limited at this time, the clinical significance of this alteration remains unclear.

NM_018975.4(TERF2IP):c.739G>A (p.Glu247Lys)

Gene: TERF2IP (TERF2 interacting protein; plus strand). Cytogenetic location: 16q23.1.
Variant type: single nucleotide variant.
Coding change: c.739G>A on transcript NM_018975.4 (MANE Select); coding-DNA position 739, G replaced by A.
Protein change: p.Glu247Lys; replaces glutamic acid 247 with lysine.
Molecular consequence: missense variant. On other transcripts: non-coding transcript variant (1).
Genome position (GRCh38, 1-based): chr16:75,654,341, G>A. VCF-style: chr16-75654341-G-A. GRCh37 (hg19) VCF-style: chr16-75688239-G-A.
Other names: short protein forms E247K.
Identifiers: ClinVar variation 1758702 (VCV001758702.2), dbSNP rs1209213523, ClinGen allele CA396819150.
Genomic context (GRCh38, chr16:75,654,341, plus strand): 5'-AATAAGAGAACTCCAGATTTGCCTGAAGAAGAGTATGTGAAGGAAGAAATCCAGGAGAAT[G>A]AAGAAGCAGTCAAAAAGATGCTTGTGGAAGCCACCCGGGAGTTTGAGGAGGTTGTGGTAT-3'
Protein context (NP_061848.2, residues 237-257): EYVKEEIQEN[Glu247Lys]EAVKKMLVEA